The following is an entry in ClinVar:

ClinVar aggregate classification (germline): Uncertain significance. Review status: criteria provided, multiple submitters, no conflicts (2 of 4 stars). 2 submissions from 2 submitters: Uncertain significance (2). Last evaluated 2024-08-07.

Allele frequency attached by ClinVar (database versions not stated): TOPMed below 0.00001; ExAC 0.00001; gnomAD exomes 0.00001.
gnomAD v4.1: 4 of 1,613,710 alleles (0.00025%); highest among the groups gnomAD compares: Non-Finnish European, 0.00034%; no homozygotes.

Submissions (2):

Blueprint Genetics
Classification: Uncertain significance. Last evaluated: 2024-08-07. Review status: criteria provided, single submitter. Criteria: ACMG Guidelines, 2015. Collection method: clinical testing. Allele origin: germline.

Laboratory for Molecular Medicine, Mass General Brigham Personalized Medicine
Classification: Uncertain significance. Last evaluated: 2013-05-21. Review status: criteria provided, single submitter. Criteria: LMM Criteria. Collection method: clinical testing. Allele origin: germline. Observed: 1 variant allele.
Comment: The Met2802Val variant in MYO15A has not been reported in affected individuals o r in large population studies. Computational analyses (biochemical amino acid pr operties, conservation, AlignGVGD, PolyPhen2, and SIFT) suggest that the variant may not impact the protein, particularly given a lack of amino acid conservatio n at the Met2802 site including a Val residue in another mammal. However, we can not rule out pathogenicity, especially in light of the existing MYO15A variant i dentified. In summary, the clinical significance of this variant cannot be deter mined with certainty. We recommend parental testing to assess cis/trans configur ation with the other MYO15A variant.

NM_016239.4(MYO15A):c.8404A>G (p.Met2802Val)

Gene: MYO15A (myosin XVA; plus strand). Cytogenetic location: 17p11.2.
Variant type: single nucleotide variant.
Coding change: c.8404A>G on transcript NM_016239.4 (MANE Select); coding-DNA position 8404, A replaced by G.
Protein change: p.Met2802Val; replaces methionine 2802 with valine.
Molecular consequence: missense variant.
Genome position (GRCh38, 1-based): chr17:18,155,377, A>G. VCF-style: chr17-18155377-A-G. GRCh37 (hg19) VCF-style: chr17-18058691-A-G.
Other names: short protein forms M2802V.
Identifiers: ClinVar variation 164556 (VCV000164556.5), dbSNP rs727503318, ClinGen allele CA177259.